The following is an entry in ClinVar:

ClinVar aggregate classification (germline): Uncertain significance (1 of 4 stars; one submission).

Submission:

Labcorp Genetics (formerly Invitae), Labcorp
Classification: Uncertain significance. Last evaluated: 2024-11-10. Review status: criteria provided, single submitter. Criteria: Invitae Variant Classification Sherloc (09022015). Collection method: clinical testing. Allele origin: germline.
Comment: This variant results in the deletion of part of exon 13 (c.631-14_637del) of the COL9A2 gene. Variants that disrupt the donor or acceptor splice site typically lead to a loss of protein function (PMID:16199547), however it is unknown whether splice variants in this region will result in a loss of function. This variant is not present in population databases (gnomAD no frequency). This variant has not been reported in the literature in individuals affected with COL9A2-related conditions. In summary, the available evidence is currently insufficient to determine the role of this variant in disease. Therefore, it has been classified as a Variant of Uncertain Significance.

Literature cited by the submitters: PubMed 16199547.

NM_001852.4(COL9A2):c.631-14_637del

Gene: COL9A2 (collagen type IX alpha 2 chain; minus strand). Cytogenetic location: 1p34.2.
Variant type: Deletion.
Coding change: c.631-14_637del on transcript NM_001852.4 (MANE Select); 14 bases into the intron before coding-DNA position 631 through coding-DNA position 637, 21 bases deleted (TCCCTGCCCTTTAGGGTCCCA).
Molecular consequence: splice acceptor variant.
Genome position (GRCh38, 1-based): chr1:40,310,761-40,310,781, TGGGACCCTAAAGGGCAGGGA deleted on the plus strand (TCCCTGCCCTTTAGGGTCCCA on the coding strand, the reverse complement: COL9A2 is on the minus strand); deleting any 21 consecutive bases within chr1:40,310,761-40,310,783 gives the same sequence; the c. name uses the placement nearest the transcript's 3' end. VCF-style (leftmost placement, unchanged base first): chr1-40310760-TTGGGACCCTAAAGGGCAGGGA-T. GRCh37 (hg19) VCF-style: chr1-40776432-TTGGGACCCTAAAGGGCAGGGA-T.
Identifiers: ClinVar variation 3724453 (VCV003724453.2).